The following is an entry in ClinVar:

ClinVar aggregate classification (germline): Uncertain significance. Review status: criteria provided, multiple submitters, no conflicts (2 of 4 stars). 2 submissions from 2 submitters: Uncertain significance (2). Last evaluated 2023-07-22.

Conditions:
Charcot-Marie-Tooth disease type 2. Also called: Charcot-Marie-Tooth type 2. Identifiers: Orphanet 64746, MedGen C0270914, MONDO:0018993.

Submissions (2):

Ambry Genetics
Classification: Uncertain significance. Last evaluated: 2023-07-22. Review status: criteria provided, single submitter. Criteria: Ambry Variant Classification Scheme 2023. Collection method: clinical testing. Allele origin: germline.
Comment: The c.2220+1G>A intronic variant results from a G to A substitution one nucleotide after coding exon 21 of the KIF1B gene. This nucleotide position is highly conserved in available vertebrate species. In silico splice site analysis predicts that this alteration will weaken the native splice donor site and will result in the creation or strengthening of a novel splice donor site. Alterations that disrupt the canonical splice site are expected to cause aberrant splicing, resulting in an abnormal protein or a transcript that is subject to nonsense-mediated mRNA decay. The evidence for this gene-disease relationship is limited; therefore, the clinical significance of this alteration is unclear.

Labcorp Genetics (formerly Invitae), Labcorp
Classification: Uncertain significance for Charcot-Marie-Tooth disease type 2. Last evaluated: 2019-12-13. Review status: criteria provided, single submitter. Criteria: Invitae Variant Classification Sherloc (09022015). Collection method: clinical testing. Allele origin: germline.
Comment: Algorithms developed to predict the effect of sequence changes on RNA splicing suggest that this variant may disrupt the consensus splice site, but this prediction has not been confirmed by published transcriptional studies. This variant is not present in population databases (ExAC no frequency). This variant has not been reported in the literature in individuals with KIF1B-related conditions. This sequence change affects a donor splice site in intron 22 of the KIF1B gene. It is expected to disrupt RNA splicing and likely results in an absent or disrupted protein product. The current clinical and genetic evidence is not sufficient to establish whether loss-of-function variants in KIF1B cause disease. In summary, the available evidence is currently insufficient to determine the role of this variant in disease. Therefore, it has been classified as a Variant of Uncertain Significance.

NM_001365951.3(KIF1B):c.2358+1G>A

Gene: KIF1B (kinesin family member 1B; plus strand). Cytogenetic location: 1p36.22.
Variant type: single nucleotide variant.
Coding change: c.2358+1G>A on transcript NM_001365951.3 (MANE Select); the canonical splice donor site of the intron after coding-DNA position 2358, G replaced by A.
Molecular consequence: splice donor variant.
Genome position (GRCh38, 1-based): chr1:10,321,858, G>A. VCF-style: chr1-10321858-G-A. GRCh37 (hg19) VCF-style: chr1-10381916-G-A.
Other names: c.2220+1G>A (NM_015074.3); c.2358+1G>A (NM_001365952.1).
Identifiers: ClinVar variation 856368 (VCV000856368.10), dbSNP rs1651536655, ClinGen allele CA338333387.